The following is an entry in ClinVar:

NM_001379081.2(FREM1):c.5735G>A (p.Arg1912Gln)

Gene: FREM1 (FRAS1 related extracellular matrix 1; minus strand). Cytogenetic location: 9p22.3.
Variant type: single nucleotide variant.
Coding change: c.5735G>A on transcript NM_001379081.2 (MANE Select); coding-DNA position 5735, G replaced by A.
Protein change: p.Arg1912Gln; replaces arginine 1912 with glutamine.
Molecular consequence: missense variant. On other transcripts: non-coding transcript variant (3).
Genome position (GRCh38, 1-based): chr9:14,748,462, C>T on the plus strand (G>A on the coding strand, the complement: FREM1 is on the minus strand). VCF-style: chr9-14748462-C-T. GRCh37 (hg19) VCF-style: chr9-14748460-C-T.
Other names: c.1343G>A, p.Arg448Gln (NM_001177704.3, NM_001370061.2); c.1193G>A, p.Arg398Gln (NM_001370058.2); c.5735G>A, p.Arg1912Gln (NM_144966.7); c.5735G>A (NM_144966.5); short protein forms R448Q, R1912Q, R398Q.
Identifiers: ClinVar variation 2103740 (VCV002103740.5), dbSNP rs576839770, ClinGen allele CA189343448.

ClinVar aggregate classification (germline): Uncertain significance. Review status: criteria provided, multiple submitters, no conflicts (2 of 4 stars). 2 submissions from 2 submitters: Uncertain significance (2). Last evaluated 2024-10-21.

Conditions:
BNAR syndrome. Also called: Bifid Nose With or Without Anorectal and Renal Anomalies (BNAR) Syndrome. Identifiers: Orphanet 217266, MedGen C2750433, MONDO:0012165, OMIM 608980.
Oculotrichoanal syndrome (MOTA). Also called: MARLES SYNDROME; Manitoba Oculotrichoanal (MOTA) Syndrome. Identifiers: Orphanet 2717, MedGen C1855425, MONDO:0009560, OMIM 248450.
Trigonocephaly 2 (TRIGNO2). Identifiers: Orphanet 3366, MedGen C3280974, MONDO:0013774, OMIM 614485.

Allele frequency attached by ClinVar (database versions not stated): gnomAD 0.00001; TOPMed below 0.00001.
gnomAD v4.1: 15 of 1,613,670 alleles (0.00093%); highest among the groups gnomAD compares: East Asian, 0.0045%; no homozygotes.

Submissions (2):

Labcorp Genetics (formerly Invitae), Labcorp
Classification: Uncertain significance. Last evaluated: 2024-10-21. Review status: criteria provided, single submitter. Criteria: Invitae Variant Classification Sherloc (09022015). Collection method: clinical testing. Allele origin: germline.
Comment: This sequence change replaces arginine, which is basic and polar, with glutamine, which is neutral and polar, at codon 1912 of the FREM1 protein (p.Arg1912Gln). This variant is present in population databases (rs576839770, gnomAD 0.003%). This variant has not been reported in the literature in individuals affected with FREM1-related conditions. ClinVar contains an entry for this variant (Variation ID: 2103740). An algorithm developed to predict the effect of missense changes on protein structure and function outputs the following: PolyPhen-2: "Benign". The glutamine amino acid residue is found in multiple mammalian species, which suggests that this missense change does not adversely affect protein function. In summary, the available evidence is currently insufficient to determine the role of this variant in disease. Therefore, it has been classified as a Variant of Uncertain Significance.

Fulgent Genetics
Classification: Uncertain significance for Oculotrichoanal syndrome; BNAR syndrome; Trigonocephaly 2. Last evaluated: 2024-03-27. Review status: criteria provided, single submitter. Criteria: ACMG Guidelines, 2015. Collection method: clinical testing. Allele origin: germline.